The following is an entry in ClinVar:

NM_001365276.2(TNXB):c.6947C>T (p.Pro2316Leu)

Gene: TNXB (tenascin XB; minus strand). Cytogenetic location: 6p21.33.
Variant type: single nucleotide variant.
Coding change: c.6947C>T on transcript NM_001365276.2 (MANE Select); coding-DNA position 6947, C replaced by T.
Protein change: p.Pro2316Leu; replaces proline 2316 with leucine.
Molecular consequence: missense variant.
Genome position (GRCh38, 1-based): chr6:32,062,378, G>A on the plus strand (C>T on the coding strand, the complement: TNXB is on the minus strand). VCF-style: chr6-32062378-G-A. GRCh37 (hg19) VCF-style: chr6-32030155-G-A.
Other names: c.6947C>T, p.Pro2316Leu (NM_019105.8); short protein forms P2316L.
Identifiers: ClinVar variation 3327870 (VCV003327870.1).

ClinVar aggregate classification (germline): Uncertain significance (1 of 4 stars; one submission).

Conditions:
Cardiovascular phenotype. Identifiers: MedGen CN230736.

gnomAD v4.1: 1 of 1,613,330 alleles (0.000062%); highest among the groups gnomAD compares: African/African-American, 0.0013%; no homozygotes.

Submission:

Ambry Genetics
Classification: Uncertain significance for Cardiovascular phenotype. Last evaluated: 2024-03-24. Review status: criteria provided, single submitter. Criteria: Ambry Variant Classification Scheme 2023. Collection method: clinical testing. Allele origin: germline.
Comment: The p.P2316L variant (also known as c.6947C>T), located in coding exon 19 of the TNXB gene, results from a C to T substitution at nucleotide position 6947. The proline at codon 2316 is replaced by leucine, an amino acid with similar properties. This amino acid position is conserved. In addition, this alteration is predicted to be tolerated by in silico analysis. Based on the available evidence, the clinical significance of this alteration remains unclear.